The following is an entry in ClinVar:

NM_002734.5(PRKAR1A):c.85G>C (p.Ala29Pro)

Gene: PRKAR1A (protein kinase cAMP-dependent type I regulatory subunit alpha; plus strand). Cytogenetic location: 17q24.2.
Variant type: single nucleotide variant.
Coding change: c.85G>C on transcript NM_002734.5 (MANE Select); coding-DNA position 85, G replaced by C.
Protein change: p.Ala29Pro; replaces alanine 29 with proline.
Molecular consequence: missense variant.
Genome position (GRCh38, 1-based): chr17:68,515,484, G>C. VCF-style: chr17-68515484-G-C. GRCh37 (hg19) VCF-style: chr17-66511625-G-C.
Other names: c.85G>C, p.Ala29Pro (NM_001276290.1, NM_001369389.1, NM_001369390.1 and 4 more transcripts); short protein forms A29P.
Identifiers: ClinVar variation 1764009 (VCV001764009.2), dbSNP rs760726941, ClinGen allele CA400751938.

ClinVar aggregate classification (germline): Uncertain significance (1 of 4 stars; one submission).

Conditions:
Hereditary cancer-predisposing syndrome. Also called: Neoplastic Syndromes, Hereditary; Tumor predisposition; Hereditary Cancer Syndrome; Hereditary neoplastic syndrome. Identifiers: Orphanet 140162, MedGen C0027672, MeSH D009386, MONDO:0015356.

Submission:

Ambry Genetics
Classification: Uncertain significance for Hereditary cancer-predisposing syndrome. Last evaluated: 2022-03-23. Review status: criteria provided, single submitter. Criteria: Ambry Variant Classification Scheme 2023. Collection method: clinical testing. Allele origin: germline.
Comment: The p.A29P variant (also known as c.85G>C), located in coding exon 1 of the PRKAR1A gene, results from a G to C substitution at nucleotide position 85. The alanine at codon 29 is replaced by proline, an amino acid with highly similar properties. This amino acid position is conserved. In addition, the in silico prediction for this alteration is inconclusive. Since supporting evidence is limited at this time, the clinical significance of this alteration remains unclear.